The following is an entry in ClinVar:

ClinVar aggregate classification (germline): Uncertain significance (1 of 4 stars; one submission).

Conditions:
KCNJ1-related disorder. Also called: KCNJ1-related condition.

Submission:

PreventionGenetics, part of Exact Sciences
Classification: Uncertain significance for KCNJ1-related condition. Last evaluated: 2025-01-30. Review status: criteria provided, single submitter. Criteria: ACMG Guidelines, 2015. Collection method: clinical testing. Allele origin: germline.
Comment: The KCNJ1 c.508A>G variant is predicted to result in the amino acid substitution p.Ile170Val. To our knowledge, this variant has not been reported in the literature. This variant is reported in 0.0023% of alleles in individuals of European (non-Finnish) descent in gnomAD. At this time, the clinical significance of this variant is uncertain due to the absence of conclusive functional and genetic evidence.

NM_153766.3(KCNJ1):c.451A>G (p.Ile151Val)

Gene: KCNJ1 (potassium inwardly rectifying channel subfamily J member 1; minus strand). Cytogenetic location: 11q24.3.
Variant type: single nucleotide variant.
Coding change: c.451A>G on transcript NM_153766.3 (MANE Select); coding-DNA position 451, A replaced by G.
Protein change: p.Ile151Val; replaces isoleucine 151 with valine.
Molecular consequence: missense variant.
Genome position (GRCh38, 1-based): chr11:128,839,793, T>C on the plus strand (A>G on the coding strand, the complement: KCNJ1 is on the minus strand). VCF-style: chr11-128839793-T-C. GRCh37 (hg19) VCF-style: chr11-128709688-T-C.
Other names: c.508A>G, p.Ile170Val (NM_000220.6); c.451A>G, p.Ile151Val (NM_153764.3, NM_153767.4); c.502A>G, p.Ile168Val (NM_153765.3); short protein forms I168V, I170V, I151V.
Identifiers: ClinVar variation 4988472 (VCV004988472.1).
Genomic context (GRCh38, chr11:128,839,793, plus strand): 5'-TGGCACGTTTTTTGGGCCTGGAGATCTTGGCTAAGATGGCCCCACACATGAAAGAATTGA[T>C]TATAACTCCAAGTATAGACTGAAAGATAAGCAGAAAAATGGCAGTGGCACACTGTTCTGT-3'
Protein context (NP_722450.1, residues 141-161): LIFQSILGVI[Ile151Val]NSFMCGAILA